The following is an entry in ClinVar:

NM_000214.3(JAG1):c.2515A>T (p.Ile839Phe)

Gene: JAG1 (jagged canonical Notch ligand 1; minus strand). Cytogenetic location: 20p12.2.
Variant type: single nucleotide variant.
Coding change: c.2515A>T on transcript NM_000214.3 (MANE Select); coding-DNA position 2515, A replaced by T.
Protein change: p.Ile839Phe; replaces isoleucine 839 with phenylalanine.
Molecular consequence: missense variant.
Genome position (GRCh38, 1-based): chr20:10,642,545, T>A on the plus strand (A>T on the coding strand, the complement: JAG1 is on the minus strand). VCF-style: chr20-10642545-T-A. GRCh37 (hg19) VCF-style: chr20-10623193-T-A.
Other names: short protein forms I839F.
Identifiers: ClinVar variation 2566909 (VCV002566909.2), dbSNP rs2514510485, ClinGen allele CA408245587.

ClinVar aggregate classification (germline): Uncertain significance (1 of 4 stars; one submission).

Conditions:
Cardiovascular phenotype. Identifiers: MedGen CN230736.

Submission:

Ambry Genetics
Classification: Uncertain significance for Cardiovascular phenotype. Last evaluated: 2023-05-21. Review status: criteria provided, single submitter. Criteria: Ambry Variant Classification Scheme 2023. Collection method: clinical testing. Allele origin: germline.
Comment: The p.I839F variant (also known as c.2515A>T), located in coding exon 21 of the JAG1 gene, results from an A to T substitution at nucleotide position 2515. The isoleucine at codon 839 is replaced by phenylalanine, an amino acid with highly similar properties. This amino acid position is conserved. In addition, the in silico prediction for this alteration is inconclusive. Since supporting evidence is limited at this time, the clinical significance of this alteration remains unclear.